The following is an entry in ClinVar:

NM_003978.5(PSTPIP1):c.488C>T (p.Ala163Val)

Gene: PSTPIP1 (proline-serine-threonine phosphatase interacting protein 1; plus strand). Cytogenetic location: 15q24.3.
Variant type: single nucleotide variant.
Coding change: c.488C>T on transcript NM_003978.5 (MANE Select); coding-DNA position 488, C replaced by T.
Protein change: p.Ala163Val; replaces alanine 163 with valine.
Molecular consequence: missense variant. On other transcripts: non-coding transcript variant (1).
Genome position (GRCh38, 1-based): chr15:77,028,624, C>T. VCF-style: chr15-77028624-C-T. GRCh37 (hg19) VCF-style: chr15-77320965-C-T.
Other names: c.488C>T, p.Ala163Val (NM_001321135.2); c.461C>T, p.Ala154Val (NM_001321136.2); c.683C>T, p.Ala228Val (NM_001321137.1); short protein forms A163V, A154V, A228V.
Identifiers: ClinVar variation 378437 (VCV000378437.10), dbSNP rs774530073, ClinGen allele CA7675837.
Genomic context (GRCh38, chr15:77,028,624, plus strand): 5'-CATACGAGCAGAAGTGCCGGGACGCGGACGACGCGGAGCAGGCCTTCGAGCGCATTAGCG[C>T]CAACGGCCACCAGAAGCAGGTGGAGAAGGTGCGCTGGGCTGCTGGGCCGTGTGGGTCGCC-3'
Protein context (NP_003969.2, residues 153-173): DAEQAFERIS[Ala163Val]NGHQKQVEKS

ClinVar aggregate classification (germline): Conflicting classifications of pathogenicity. Review status: criteria provided, conflicting classifications (1 of 4 stars). 4 submissions from 4 submitters: Uncertain significance (2); Likely benign (2). Last evaluated 2025-03-18.

Conditions:
Autoinflammatory syndrome. Identifiers: Orphanet 93665, MedGen C3890737, MONDO:0019751.
Inborn genetic diseases. Identifiers: MedGen C0950123, MeSH D030342.
Pyogenic arthritis-pyoderma gangrenosum-acne syndrome (PAPA). Also called: FAMILIAL RECURRENT ARTHRITIS; PAPA SYNDROME. Identifiers: Orphanet 69126, MedGen C1858361, MONDO:0011462, OMIM 604416.

Allele frequency attached by ClinVar (database versions not stated): gnomAD 0.00001 and 0.00002; gnomAD exomes 0.00001 and 0.00003; TOPMed 0.00001; ExAC 0.00010.
gnomAD v4.1: 18 of 1,584,636 alleles (0.0011%); highest among the groups gnomAD compares: Middle Eastern, 0.017%; 1 homozygote.

Submissions (4):

Labcorp Genetics (formerly Invitae), Labcorp
Classification: Uncertain significance for Pyogenic arthritis-pyoderma gangrenosum-acne syndrome. Last evaluated: 2025-03-18. Review status: criteria provided, single submitter. Criteria: Invitae Variant Classification Sherloc (09022015). Collection method: clinical testing. Allele origin: germline.
Comment: This sequence change replaces alanine, which is neutral and non-polar, with valine, which is neutral and non-polar, at codon 163 of the PSTPIP1 protein (p.Ala163Val). This variant is present in population databases (rs774530073, gnomAD 0.01%), including at least one homozygous and/or hemizygous individual. This variant has not been reported in the literature in individuals affected with PSTPIP1-related conditions. ClinVar contains an entry for this variant (Variation ID: 378437). Invitae Evidence Modeling of protein sequence and biophysical properties (such as structural, functional, and spatial information, amino acid conservation, physicochemical variation, residue mobility, and thermodynamic stability) indicates that this missense variant is not expected to disrupt PSTPIP1 protein function with a negative predictive value of 80%. In summary, the available evidence is currently insufficient to determine the role of this variant in disease. Therefore, it has been classified as a Variant of Uncertain Significance.

Ambry Genetics
Classification: Uncertain significance for Inborn genetic diseases. Last evaluated: 2024-09-03. Review status: criteria provided, single submitter. Criteria: Ambry Variant Classification Scheme 2023. Collection method: clinical testing. Allele origin: germline.

Genome Diagnostics Laboratory, The Hospital for Sick Children
Classification: Likely benign for Autoinflammatory syndrome. Last evaluated: 2020-12-08. Review status: criteria provided, single submitter. Criteria: ACMG Guidelines, 2015. Collection method: clinical testing. Allele origin: germline. Affected: yes.

GeneDx
Classification: Likely benign. Last evaluated: 2016-10-19. Review status: criteria provided, single submitter. Criteria: GeneDx Variant Classification (06012015). Collection method: clinical testing. Allele origin: germline. Affected: yes.
Comment: This variant is considered likely benign or benign based on one or more of the following criteria: it is a conservative change, it occurs at a poorly conserved position in the protein, it is predicted to be benign by multiple in silico algorithms, and/or has population frequency not consistent with disease.